The following is an entry in ClinVar:

NM_001164277.2(SLC37A4):c.1065del (p.Ser356fs)

Gene: SLC37A4 (solute carrier family 37 member 4; minus strand). Cytogenetic location: 11q23.3.
Variant type: Deletion.
Coding change: c.1065del on transcript NM_001164277.2 (MANE Select); coding-DNA position 1065, one base deleted (G; older notation c.1065delG).
Protein change: p.Ser356fs; shifts the reading frame from serine 356.
Molecular consequence: frameshift variant.
Genome position (GRCh38, 1-based): chr11:119,025,249, C deleted on the plus strand (G on the coding strand, the reverse complement: SLC37A4 is on the minus strand). VCF-style (leftmost placement, unchanged base first): chr11-119025248-TC-T. GRCh37 (hg19) VCF-style: chr11-118895958-TC-T.
Other names: c.1131del, p.Ser378fs (NM_001164278.2); c.846del, p.Ser283fs (NM_001164279.2); c.1065del, p.Ser356fs (NM_001164280.2, NM_001467.6); short protein forms S283fs, S356fs, S378fs.
Identifiers: ClinVar variation 2678965 (VCV002678965.4), dbSNP rs2497011739, ClinGen allele CA2695199031.

ClinVar aggregate classification (germline): Pathogenic/Likely pathogenic. Review status: criteria provided, multiple submitters, no conflicts (2 of 4 stars). 2 submissions from 2 submitters: Pathogenic (1); Likely pathogenic (1). Last evaluated 2024-01-09.

Conditions:
Glucose-6-phosphate transport defect (GSD1B). Also called: Glycogen Storage Disease Type Ib; GSD Ib. Identifiers: Orphanet 364, Orphanet 79259, MedGen C0268146, MONDO:0009288, OMIM 232220.

Submissions (2):

Labcorp Genetics (formerly Invitae), Labcorp
Classification: Pathogenic for Glucose-6-phosphate transport defect. Last evaluated: 2024-01-09. Review status: criteria provided, single submitter. Criteria: Invitae Variant Classification Sherloc (09022015). Collection method: clinical testing. Allele origin: germline.
Comment: This sequence change creates a premature translational stop signal (p.Ser356Valfs*47) in the SLC37A4 gene. While this is not anticipated to result in nonsense mediated decay, it is expected to disrupt the last 74 amino acid(s) of the SLC37A4 protein. This variant is not present in population databases (gnomAD no frequency). This variant has not been reported in the literature in individuals affected with SLC37A4-related conditions. This variant disrupts a region of the SLC37A4 protein in which other variant(s) (p.Arg415*) have been determined to be pathogenic (PMID: 10482962, 10931421, 15059622, 21575371). This suggests that this is a clinically significant region of the protein, and that variants that disrupt it are likely to be disease-causing. For these reasons, this variant has been classified as Pathogenic.

Baylor Genetics
Classification: Likely pathogenic for Glucose-6-phosphate transport defect. Last evaluated: 2022-12-03. Review status: criteria provided, single submitter. Criteria: ACMG Guidelines, 2015. Collection method: clinical testing. Allele origin: unknown.

Literature cited by the submitters: PubMed 10482962 (cited by Labcorp Genetics (formerly Invitae), Labcorp); PubMed 10931421 (cited by Labcorp Genetics (formerly Invitae), Labcorp); PubMed 15059622 (cited by Labcorp Genetics (formerly Invitae), Labcorp); PubMed 21575371 (cited by Labcorp Genetics (formerly Invitae), Labcorp).